The following is an entry in ClinVar:

NM_004369.4(COL6A3):c.7175-3C>T

Gene: COL6A3 (collagen type VI alpha 3 chain; minus strand). Cytogenetic location: 2q37.3.
Variant type: single nucleotide variant.
Coding change: c.7175-3C>T on transcript NM_004369.4 (MANE Select); 3 bases into the intron before coding-DNA position 7175, C replaced by T.
Molecular consequence: intron variant.
Genome position (GRCh38, 1-based): chr2:237,344,846, G>A on the plus strand (C>T on the coding strand, the complement: COL6A3 is on the minus strand). VCF-style: chr2-237344846-G-A. GRCh37 (hg19) VCF-style: chr2-238253489-G-A.
Other names: c.5354-3C>T (NM_057166.5); c.6557-3C>T (NM_057167.4).
Identifiers: ClinVar variation 2134680 (VCV002134680.4), dbSNP rs2469818085, ClinGen allele CA351204800.

ClinVar aggregate classification (germline): Uncertain significance (1 of 4 stars; one submission).

Conditions:
Bethlem myopathy 1A. Also called: Bethlem Muscular Dystrophy; Bethlem myopathy 1; MYOPATHY, BENIGN CONGENITAL, WITH CONTRACTURES. Identifiers: Orphanet 610, MedGen CN029274, MONDO:0024530, OMIM 158810.

Submission:

Labcorp Genetics (formerly Invitae), Labcorp
Classification: Uncertain significance for Bethlem myopathy 1A. Last evaluated: 2026-01-26. Review status: criteria provided, single submitter. Criteria: Invitae Variant Classification Sherloc (09022015). Collection method: clinical testing. Allele origin: germline.
Comment: This sequence change falls in intron 35 of the COL6A3 gene. It does not directly change the encoded amino acid sequence of the COL6A3 protein. It affects a nucleotide within the consensus splice site. This variant is not present in population databases (gnomAD no frequency). This variant has not been reported in the literature in individuals affected with COL6A3-related conditions. ClinVar contains an entry for this variant (Variation ID: 2134680). Variants that disrupt the consensus splice site are a relatively common cause of aberrant splicing (PMID: 17576681, 9536098). Algorithms developed to predict the effect of sequence changes on RNA splicing suggest that this variant is not likely to affect RNA splicing. In summary, the available evidence is currently insufficient to determine the role of this variant in disease. Therefore, it has been classified as a Variant of Uncertain Significance.

Literature cited by the submitters: PubMed 17576681; PubMed 9536098.